The following is an entry in ClinVar:

ClinVar aggregate classification (germline): Uncertain significance. Review status: criteria provided, multiple submitters, no conflicts (2 of 4 stars). 3 submissions from 3 submitters: Uncertain significance (3). Last evaluated 2026-05-12.

Conditions:
SCLT1-related disorder. Also called: SCLT1-related condition.

Allele frequency attached by ClinVar (database versions not stated): gnomAD exomes 0.00003; ExAC 0.00004; TOPMed 0.00006; gnomAD 0.00007; ESP Exome Variant Server 0.00008.
gnomAD v4.1: 62 of 1,604,990 alleles (0.0039%); highest among the groups gnomAD compares: Non-Finnish European, 0.0037%; no homozygotes.

Submissions (3):

PreventionGenetics, part of Exact Sciences
Classification: Uncertain significance for SCLT1-related condition. Last evaluated: 2026-05-12. Review status: criteria provided, single submitter. Criteria: ACMG Guidelines, 2015. Collection method: clinical testing. Allele origin: germline.
Comment: The SCLT1 c.1684C>A variant is predicted to result in the amino acid substitution p.Gln562Lys. To our knowledge, this variant has not been reported in the literature. This variant is reported in 0.012% of alleles in individuals of European (Finnish) descent in gnomAD. At this time, the clinical significance of this variant is uncertain due to the absence of conclusive functional and genetic evidence.

Ambry Genetics
Classification: Uncertain significance. Last evaluated: 2025-12-15. Review status: criteria provided, single submitter. Criteria: Ambry Variant Classification Scheme 2023. Collection method: clinical testing. Allele origin: germline.

Labcorp Genetics (formerly Invitae), Labcorp
Classification: Uncertain significance. Last evaluated: 2022-04-11. Review status: criteria provided, single submitter. Criteria: Invitae Variant Classification Sherloc (09022015). Collection method: clinical testing. Allele origin: germline.
Comment: This sequence change replaces glutamine, which is neutral and polar, with lysine, which is basic and polar, at codon 562 of the SCLT1 protein (p.Gln562Lys). This variant is present in population databases (rs138052297, gnomAD 0.01%). This variant has not been reported in the literature in individuals affected with SCLT1-related conditions. Algorithms developed to predict the effect of missense changes on protein structure and function (SIFT, PolyPhen-2, Align-GVGD) all suggest that this variant is likely to be tolerated. In summary, the available evidence is currently insufficient to determine the role of this variant in disease. Therefore, it has been classified as a Variant of Uncertain Significance.

NM_144643.4(SCLT1):c.1684C>A (p.Gln562Lys)

Gene: SCLT1 (sodium channel and clathrin linker 1; minus strand). Cytogenetic location: 4q28.2.
Variant type: single nucleotide variant.
Coding change: c.1684C>A on transcript NM_144643.4 (MANE Select); coding-DNA position 1684, C replaced by A.
Protein change: p.Gln562Lys; replaces glutamine 562 with lysine.
Molecular consequence: missense variant.
Genome position (GRCh38, 1-based): chr4:128,936,800, G>T on the plus strand (C>A on the coding strand, the complement: SCLT1 is on the minus strand). VCF-style: chr4-128936800-G-T. GRCh37 (hg19) VCF-style: chr4-129857955-G-T.
Other names: c.*21C>A (NM_001410807.1); c.1684C>A (NM_144643.2, NM_144643.3); short protein forms Q562K.
Identifiers: ClinVar variation 2172501 (VCV002172501.3), dbSNP rs138052297, ClinGen allele CA3079542.